The following is an entry in ClinVar:

ClinVar aggregate classification (germline): Uncertain significance. Review status: criteria provided, single submitter (1 of 4 stars). 2 submissions from 2 submitters: Uncertain significance (1). 1 of the submissions does not count toward it. Last evaluated 2025-12-17.

Conditions:
SEMA3A-related disorder. Also called: SEMA3A-related condition.

Allele frequency attached by ClinVar (database versions not stated): ExAC 0.00004; gnomAD 0.00005; TOPMed 0.00005; gnomAD exomes 0.00009.
gnomAD v4.1: 156 of 1,613,708 alleles (0.0097%); highest among the groups gnomAD compares: Non-Finnish European, 0.012%; no homozygotes.

Submissions (2):

Labcorp Genetics (formerly Invitae), Labcorp
Classification: Uncertain significance. Last evaluated: 2025-12-17. Review status: criteria provided, single submitter. Criteria: Invitae Variant Classification Sherloc (09022015). Collection method: clinical testing. Allele origin: germline.
Comment: This sequence change replaces lysine, which is basic and polar, with methionine, which is neutral and non-polar, at codon 600 of the SEMA3A protein (p.Lys600Met). This variant is present in population databases (rs535486545, gnomAD 0.009%). This variant has not been reported in the literature in individuals affected with SEMA3A-related conditions. ClinVar contains an entry for this variant (Variation ID: 2634952). Invitae Evidence Modeling of protein sequence and biophysical properties (such as structural, functional, and spatial information, amino acid conservation, physicochemical variation, residue mobility, and thermodynamic stability) indicates that this missense variant is not expected to disrupt SEMA3A protein function with a negative predictive value of 80%. In summary, the available evidence is currently insufficient to determine the role of this variant in disease. Therefore, it has been classified as a Variant of Uncertain Significance.

PreventionGenetics, part of Exact Sciences
Classification: Uncertain significance for SEMA3A-related condition. Last evaluated: 2024-07-23. Review status: no assertion criteria provided. Collection method: clinical testing. Allele origin: germline. Not counted in ClinVar's aggregate classification.
Comment: The SEMA3A c.1799A>T variant is predicted to result in the amino acid substitution p.Lys600Met. This variant has been reported in an individual with an obesity phenotype and functional studies suggest the variant impacts protein secretion (Table S3, van der Klaauw et al. 2019. PubMed ID: 30661757). This variant is reported in 0.0093% of alleles in individuals of European (Non-Finnish) descent in gnomAD. At this time, the clinical significance of this variant is uncertain due to the absence of conclusive functional and genetic evidence.

NM_006080.3(SEMA3A):c.1799A>T (p.Lys600Met)

Gene: SEMA3A (semaphorin 3A; minus strand). Cytogenetic location: 7q21.11.
Variant type: single nucleotide variant.
Coding change: c.1799A>T on transcript NM_006080.3 (MANE Select); coding-DNA position 1799, A replaced by T.
Protein change: p.Lys600Met; replaces lysine 600 with methionine.
Molecular consequence: missense variant.
Genome position (GRCh38, 1-based): chr7:83,963,266, T>A on the plus strand (A>T on the coding strand, the complement: SEMA3A is on the minus strand). VCF-style: chr7-83963266-T-A. GRCh37 (hg19) VCF-style: chr7-83592582-T-A.
Other names: short protein forms K600M.
Identifiers: ClinVar variation 2634952 (VCV002634952.4), dbSNP rs535486545, ClinGen allele CA4322615.